The following is an entry in ClinVar:

ClinVar aggregate classification (germline): Pathogenic (1 of 4 stars; one submission).

Conditions:
Neurofibromatosis, type 1 (NF1). Also called: Peripheral type neurofibromatosis; VON RECKLINGHAUSEN DISEASE; NEUROFIBROMATOSIS, TYPE I, SOMATIC; Neurofibromatosis, type I. Identifiers: Orphanet 636, MedGen C0027831, MONDO:0018975, OMIM 162200. Disease mechanism: loss of function.

Submission:

Labcorp Genetics (formerly Invitae), Labcorp
Classification: Pathogenic for Neurofibromatosis, type 1. Last evaluated: 2025-12-03. Review status: criteria provided, single submitter. Criteria: Invitae Variant Classification Sherloc (09022015). Collection method: clinical testing. Allele origin: germline.
Comment: This sequence change creates a premature translational stop signal (p.Lys99*) in the NF1 gene. It is expected to result in an absent or disrupted protein product. Loss-of-function variants in NF1 are known to be pathogenic (PMID: 10712197, 23913538). This variant is not present in population databases (gnomAD no frequency). This variant has not been reported in the literature in individuals affected with NF1-related conditions. ClinVar contains an entry for this variant (Variation ID: 1439794). For these reasons, this variant has been classified as Pathogenic.

Literature cited by the submitters: PubMed 10712197; PubMed 23913538.

NM_001042492.3(NF1):c.295A>T (p.Lys99Ter)

Gene: NF1 (neurofibromin 1; plus strand). Cytogenetic location: 17q11.2.
Variant type: single nucleotide variant.
Coding change: c.295A>T on transcript NM_001042492.3 (MANE Select); coding-DNA position 295, A replaced by T.
Protein change: p.Lys99Ter; replaces lysine 99 with a stop codon.
Molecular consequence: nonsense.
Genome position (GRCh38, 1-based): chr17:31,163,192, A>T. VCF-style: chr17-31163192-A-T. GRCh37 (hg19) VCF-style: chr17-29490210-A-T.
Other names: c.295A>T, p.Lys99Ter (NM_000267.4, NM_001128147.3); short protein forms K99*.
Identifiers: ClinVar variation 1439794 (VCV001439794.6), dbSNP rs2065791967, ClinGen allele CA398981635.